The following is an entry in ClinVar:

NM_001966.4(EHHADH):c.519A>G (p.Val173=)

Gene: EHHADH (enoyl-CoA hydratase and 3-hydroxyacyl CoA dehydrogenase; minus strand). Cytogenetic location: 3q27.2.
Variant type: single nucleotide variant.
Coding change: c.519A>G on transcript NM_001966.4 (MANE Select); coding-DNA position 519, A replaced by G.
Protein change: p.Val173=; no amino-acid change (valine 173 retained).
Molecular consequence: synonymous variant.
Genome position (GRCh38, 1-based): chr3:185,218,185, T>C on the plus strand (A>G on the coding strand, the complement: EHHADH is on the minus strand). VCF-style: chr3-185218185-T-C. GRCh37 (hg19) VCF-style: chr3-184935973-T-C.
Other names: c.231A>G, p.Val77= (NM_001166415.2).
Identifiers: ClinVar variation 3029524 (VCV003029524.2), dbSNP rs1233092844, ClinGen allele CA437348860.

ClinVar aggregate classification (germline): Likely benign (0 of 4 stars; one submission).

Conditions:
EHHADH-related disorder. Also called: EHHADH-related condition.

Allele frequency attached by ClinVar (database versions not stated): gnomAD 0.00001.
gnomAD v4.1: 1 of 1,607,892 alleles (0.000062%); highest among the groups gnomAD compares: African/African-American, 0.0014%; no homozygotes.

Submission:

PreventionGenetics, part of Exact Sciences
Classification: Likely benign for EHHADH-related condition. Last evaluated: 2022-10-24. Review status: no assertion criteria provided. Collection method: clinical testing. Allele origin: germline.
Comment: This variant is classified as likely benign based on ACMG/AMP sequence variant interpretation guidelines (Richards et al. 2015 PMID: 25741868, with internal and published modifications).